The following is an entry in ClinVar:

ClinVar aggregate classification (germline): Uncertain significance (1 of 4 stars; one submission).

Conditions:
Inborn genetic diseases. Identifiers: MedGen C0950123, MeSH D030342.

Submission:

Ambry Genetics
Classification: Uncertain significance for Inborn genetic diseases. Last evaluated: 2022-05-26. Review status: criteria provided, single submitter. Criteria: Ambry Variant Classification Scheme 2023. Collection method: clinical testing. Allele origin: germline.
Comment: The p.G459R variant (also known as c.1375G>C), located in coding exon 14 of the ERCC2 gene, results from a G to C substitution at nucleotide position 1375. The glycine at codon 459 is replaced by arginine, an amino acid with dissimilar properties. This amino acid position is conserved. In addition, this alteration is predicted to be deleterious by in silico analysis. Since supporting evidence is limited at this time, the clinical significance of this alteration remains unclear.

NM_000400.4(ERCC2):c.1375G>C (p.Gly459Arg)

Gene: ERCC2 (ERCC excision repair 2, TFIIH core complex helicase subunit; minus strand). Cytogenetic location: 19q13.32.
Variant type: single nucleotide variant.
Coding change: c.1375G>C on transcript NM_000400.4 (MANE Select); coding-DNA position 1375, G replaced by C.
Protein change: p.Gly459Arg; replaces glycine 459 with arginine.
Molecular consequence: missense variant.
Genome position (GRCh38, 1-based): chr19:45,357,476, C>G on the plus strand (G>C on the coding strand, the complement: ERCC2 is on the minus strand). VCF-style: chr19-45357476-C-G. GRCh37 (hg19) VCF-style: chr19-45860734-C-G.
Other names: short protein forms G459R.
Identifiers: ClinVar variation 1771146 (VCV001771146.2), dbSNP rs2514013189, ClinGen allele CA406367378.
Genomic context (GRCh38, chr19:45,357,476, plus strand): 5'-ACCAGGAGGCCCATGGAGGGAGGTCAGGGACTAGGAGGGGACGGGGAAGGGTCCTTACCC[C>G]AGATGTGATGATGACAGACTGGAAACGCTCAAATACGGGTTTGATGGCCAGCGAGGCGTC-3'
Protein context (NP_000391.1, residues 449-469): ERFQSVIITS[Gly459Arg]TLSPLDIYPK